The following is an entry in ClinVar:

ClinVar aggregate classification (germline): Uncertain significance. Review status: criteria provided, multiple submitters, no conflicts (2 of 4 stars). 5 submissions from 5 submitters: Uncertain significance (4). 1 of the submissions does not count toward it. Last evaluated 2026-01-19.

Conditions:
Cardiac arrhythmia. Also called: Arrhythmia; Cardiac rhythm disease. Identifiers: MedGen C0003811, MONDO:0007263, HP:0011675.
Long QT syndrome (LQTS). Identifiers: MedGen C0023976, MeSH D008133, MONDO:0002442. Disease mechanism: loss of function. Inheritance: Various modes of inheritance.
Cardiovascular phenotype. Identifiers: MedGen CN230736.

Allele frequency attached by ClinVar (database versions not stated): gnomAD exomes 0.00003; gnomAD 0.00004 and 0.00005; TOPMed 0.00006.
gnomAD v4.1: 50 of 1,547,180 alleles (0.0032%); highest among the groups gnomAD compares: African/African-American, 0.014%; no homozygotes.

Submissions (5):

Labcorp Genetics (formerly Invitae), Labcorp
Classification: Uncertain significance for Long QT syndrome. Last evaluated: 2026-01-19. Review status: criteria provided, single submitter. Criteria: Invitae Variant Classification Sherloc (09022015). Collection method: clinical testing. Allele origin: germline.
Comment: This sequence change replaces aspartic acid, which is acidic and polar, with asparagine, which is neutral and polar, at codon 1037 of the KCNH2 protein (p.Asp1037Asn). The frequency data for this variant in the population databases is considered unreliable, as metrics indicate poor data quality at this position in the gnomAD database. This variant has not been reported in the literature in individuals affected with KCNH2-related conditions. ClinVar contains an entry for this variant (Variation ID: 67470). An algorithm developed to predict the effect of missense changes on protein structure and function (PolyPhen-2) suggests that this variant is likely to be disruptive. In summary, the available evidence is currently insufficient to determine the role of this variant in disease. Therefore, it has been classified as a Variant of Uncertain Significance.

All of Us Research Program, National Institutes of Health
Classification: Uncertain significance for Long QT syndrome. Last evaluated: 2024-04-25. Review status: criteria provided, single submitter. Criteria: ACMG Guidelines, 2015. Collection method: clinical testing. Allele origin: germline. Inheritance: Autosomal dominant inheritance. Observed: 10 variant alleles, 10 heterozygotes.
Comment: This missense variant replaces aspartic acid with asparagine at codon 1037 of the KCNH2 protein. Computational prediction suggests that this variant may not impact protein structure and function (internally defined REVEL score threshold <= 0.5, PMID: 27666373). To our knowledge, functional studies have not been reported for this variant. This variant has not been reported in individuals affected with cardiovascular disorders in the literature. This variant has been identified in 5/175900 chromosomes in the general population by the Genome Aggregation Database (gnomAD). The available evidence is insufficient to determine the role of this variant in disease conclusively. Therefore, this variant is classified as a Variant of Uncertain Significance.

This study involves interpretation of variants in research participants for the purpose of population health screening. Participant phenotype was not available at the time of variant classification. Additional details can be found in publication PMID: 35346344, PMCID: PMC8962531

Color Diagnostics, LLC DBA Color Health
Classification: Uncertain significance for Cardiac arrhythmia. Last evaluated: 2024-04-15. Review status: criteria provided, single submitter. Criteria: ACMG Guidelines, 2015. Collection method: clinical testing. Allele origin: germline.
Comment: This missense variant replaces aspartic acid with asparagine at codon 1037 of the KCNH2 protein. Computational prediction suggests that this variant may not impact protein structure and function (internally defined REVEL score threshold <= 0.5, PMID: 27666373). To our knowledge, functional studies have not been reported for this variant. This variant has not been reported in individuals affected with cardiovascular disorders in the literature. This variant has been identified in 5/175900 chromosomes in the general population by the Genome Aggregation Database (gnomAD). The available evidence is insufficient to determine the role of this variant in disease conclusively. Therefore, this variant is classified as a Variant of Uncertain Significance.

Ambry Genetics
Classification: Uncertain significance for Cardiovascular phenotype. Last evaluated: 2020-02-12. Review status: criteria provided, single submitter. Criteria: Ambry Variant Classification Scheme 2023. Collection method: clinical testing. Allele origin: germline.

Cardiovascular Biomedical Research Unit, Royal Brompton & Harefield NHS Foundation Trust
No classification provided. Review status: no classification provided. Collection method: literature only. Allele origin: germline. Not counted in ClinVar's aggregate classification.
Comment: This variant has been reported in the following publications (PMID:19841300).

Literature cited by the submitters: PubMed 19841300 (cited by Cardiovascular Biomedical Research Unit, Royal Brompton & Harefield NHS Foundation Trust); PubMed 22581653 (cited by Cardiovascular Biomedical Research Unit, Royal Brompton & Harefield NHS Foundation Trust).

NM_000238.4(KCNH2):c.3109G>A (p.Asp1037Asn)

Gene: KCNH2 (potassium voltage-gated channel subfamily H member 2; minus strand). Cytogenetic location: 7q36.1.
Variant type: single nucleotide variant.
Coding change: c.3109G>A on transcript NM_000238.4 (MANE Select); coding-DNA position 3109, G replaced by A.
Protein change: p.Asp1037Asn; replaces aspartic acid 1037 with asparagine.
Molecular consequence: missense variant.
Genome position (GRCh38, 1-based): chr7:150,947,371, C>T on the plus strand (G>A on the coding strand, the complement: KCNH2 is on the minus strand). VCF-style: chr7-150947371-C-T. GRCh37 (hg19) VCF-style: chr7-150644459-C-T.
Other names: c.2089G>A, p.Asp697Asn (NM_172057.3); c.3109G>A (LRG_288t1); short protein forms D1037N, D697N.
Identifiers: ClinVar variation 67470 (VCV000067470.19), dbSNP rs199473023, ClinGen allele CA007968.
Genomic context (GRCh38, chr7:150,947,371, plus strand): 5'-CACCTGCACTCCCTCACCTGTTGAGCTGGCGCTGGAGGGCATCCAGCCTGCTCTCCACGT[C>T]GCCCCGGGGCCGCCGACCCGGGCTGGAGAGGGGGATGTTGAGGAGGCTGGGGGTGGGGGC-3'
Protein context (NP_000229.1, residues 1027-1047): LSSPGRRPRG[Asp1037Asn]VESRLDALQR